The following continues an entry in ClinVar:

NM_000297.4(PKD2):c.964C>T (p.Arg322Trp)

Gene: PKD2. ClinVar aggregate classification (germline): Pathogenic/Likely pathogenic. Pathogenic (11); Likely pathogenic (4).

Submissions 14 to 19 of 19:

ARUP Laboratories, Molecular Genetics and Genomics, ARUP Laboratories
Classification: Pathogenic for Polycystic kidney disease 2. Last evaluated: 2019-03-26. Review status: criteria provided, single submitter. Criteria: ARUP Molecular Germline Variant Investigation Process. Collection method: clinical testing. Allele origin: germline.
Comment: The PKD2 c.964C>T; p.Arg322Trp variant is reported in several unrelated individuals with ADKPD (Chung 2006, Cornec-Le Gall 2017, Neumann 2013, Rossetti 2007) and shown to co-segregate with disease in a family (Reiterova 2002). This variant is classified as likely pathogenic/pathogenic in ClinVar (Variation ID: 448039). It is absent from general population databases (Exome Variant Server, Genome Aggregation Database), indicating it is not a common polymorphism. The arginine at codon 322 is highly conserved, and computational analyses (SIFT, PolyPhen-2) predict that this variant is deleterious. Furthermore, other variants at this codon (Arg322Gln, Arg322Gly, Arg322Pro) have been associated with ADPKD (Audrezet 2016, Jin 2016, Neumann 2013, Robinson 2012, Rossetti 2012, Tan 2011, Trujillano 2014, Woerner 2006), suggesting this residue is critical for proper protein function. Based on available information, the p.Arg322Trp variant is considered to be pathogenic. REFERENCES Audrezet MP et al. Comprehensive PKD1 and PKD2 Mutation Analysis in Prenatal Autosomal Dominant Polycystic Kidney Disease. J Am Soc Nephrol. 2016 Mar;27(3):722-9. Chung W et al. PKD2 gene mutation analysis in Korean autosomal dominant polycystic kidney disease patients using two-dimensional gene scanning. Clin Genet. 2006 Dec;70(6):502-8. Cornec-Le Gall E et al. PKD2-Related Autosomal Dominant Polycystic Kidney Disease: Prevalence, Clinical Presentation, Mutation Spectrum, and Prognosis. Am J Kidney Dis. 2017 Oct;70(4):476-485. Jin M et al. System analysis of gene mutations and clinical phenotype in Chinese patients with autosomal-dominant polycystic kidney disease. Sci Rep. 2016 Oct 26;6:35945. Neumann HP et al. Epidemiology of autosomal-dominant polycystic kidney disease: an in-depth clinical study for south-western Germany. Nephrol Dial Transplant. 2013 Jun;28(6):1472-87. Reiterova J et al. Four novel mutations of the PKD2 gene in Czech families with autosomal dominant polycystic kidney disease. Hum Mutat. 2002 May;19(5):573. Robinson C et al. Clinical utility of PKD2 mutation testing in a polycystic kidney disease cohort attending a specialist nephrology out-patient clinic. BMC Nephrol. 2012 Aug 3;13:79 Rossetti S et al. Comprehensive molecular diagnostics in autosomal dominant polycystic kidney disease. J Am Soc Nephrol. 2007 Jul;18(7):2143-60. Rossetti S et al. Identification of gene mutations in autosomal dominant polycystic kidney disease through targeted resequencing. J Am Soc Nephrol. 2012 May;23(5):915-33. Tan YC et al. Aberrant PKD2 splicing due to a presumed novel missense mutation in autosomal-dominant polycystic kidney disease. Clin Genet. 2011 Sep;80(3):287-92. Trujillano D et al. Diagnosis of autosomal dominant polycystic kidney disease using efficient PKD1 and PKD2 targeted next-generation sequencing. Mol Genet Genomic Med. 2014 Sep;2(5):412-21. Woerner AC et al. Tuberous sclerosis complex and polycystic kidney disease together: an exception to the contiguous gene syndrome. Genet Med. 2006 Mar;8(3):197-8.

Molecular Genetics of Inherited Kidney Disorders Laboratory, Garvan Institute of Medical Research
Classification: Likely pathogenic. Last evaluated: 2019-01-01. Review status: criteria provided, single submitter. Criteria: ACMG Guidelines, 2015. Collection method: clinical testing. Allele origin: germline. Affected: yes.

Genetic Services Laboratory, University of Chicago
Classification: Pathogenic. Last evaluated: 2022-07-19. Review status: no assertion criteria provided. Collection method: clinical testing. Allele origin: germline. Affected: yes. Not counted in ClinVar's aggregate classification.
Comment: DNA sequence analysis of the PKD2 gene demonstrated a sequence change, c.964C>T, in exon 4 that results in an amino acid change, p.Arg322Trp. The p.Arg322Trp change affects a highly conserved amino acid residue located in the polycystin cation channel protein domain of the PKD2 protein that is known to be functional. The p.Arg322Trp substitution appears to be deleterious using several in-silico pathogenicity prediction tools (SIFT, PolyPhen2, Align GVGD, REVEL). This sequence change segregated with disease in six individuals from a family with autosomal dominant polycystic kidney disease (PMID: 11968093) and has also been observed in several other unrelated individuals affected with polycystic kidney disease (PMID: 15192819, 17100995, 17582161, 23300259, 28356211). Additionally, other sequence changes impacting the same amino acid residue (p.ARg322Gly, p.Arg322Gln) have been identified in individuals with polycystic kidney disease (PMID: 26139440, 15772804). This sequence change has not been described in population databases such as ExAC and gnomAD. Collectively, these evidences indicate this sequence change is pathogenic.

Department of Pathology and Laboratory Medicine, Sinai Health System
Classification: Pathogenic for Polycystic Kidney disease. Review status: no assertion criteria provided. Collection method: clinical testing. Allele origin: unknown. Affected: yes. Observed: 2 variant alleles. Study: The Canadian Open Genetics Repository (COGR). Not counted in ClinVar's aggregate classification.
Comment: The PKD2 p.Arg322Trp variant was identified in 1 of 28 proband chromosomes (frequency: 0.04) from individuals or families with ADPKD of Czech ethnicity and was not identified in 100 control chromosomes from healthy individuals (Reiterova 2002,). The variant was also identified in the LOVD 3.0 database but no relevant information was given. The variant was not identified in dbSNP, ClinVar, ADPKD Mutation and PKD1-LOVD, databases. The variant was not identified in the 1000 Genomes Project, the NHLBI GO Exome Sequencing Project, or the Exome Aggregation Consortium (August 8th 2016) nor the Genome Aggregation Consortium (Feb 27, 2017) control databases. The variant p.Arg322Trp in exon 4 causes a change from a positively charged arginine to a hydrophobic tryptophan in the first extracellular loop of the polycystin 2. In one study, this substitution segregated with the disease in a large family with six affected individuals. 50 unrelated individuals were tested and no similar change was observed (Reiterova 2002). The variant was also identified in a Chinese family with ADPKD (Zhang 2004). A different variant at the same position, where arginine is replaced with glutamine, was identified as disease causing and segregated with four individuals with ADPKD and one affected obligate carrier (Woerner 2006). In a letter to the editor, it is stated that a disease causing missense mutation p.Arg322Trp has been reported among PKD2- linked families of both Czech and Chinese ethnicities. The arginine at codon 322 of the PKD2 gene on chromosome 4q21-23 is remarkably conserved across species, indicating its importance this position. Indeed, as Reiterova et al. point out, this mutation variant occurs in a large extracellular loop of polycystin 2, and is likely to be necessary for proper folding of the protein, as well as interaction with other molecules (Reiterova 2002Woerner 2006). The p.Arg322 residue is conserved across mammals and other organisms, and four out of five computational analyses (PolyPhen-2, SIFT, AlignGVGD, BLOSUM, MutationTaster) suggest that the tryptophanTrp variant may impact the protein; however, this information is not predictive enough to assume pathogenicity. The variant occurs outside of the splicing consensus sequence and in silico or computational prediction software programs (SpliceSiteFinder, MaxEntScan, NNSPLICE, GeneSplicer, HumanSpliceFinder) do not predict a difference in splicing. The variant is located with the Polycystin cation channel of PKD2 Polycystic kidney disease type 2 protein functional domains increasing the likelihood that it may have clinical significance. In summary, this variant meets our laboratoryâ€šÃ„Ã´s criteria to be classified as pathogenic.

Joint Genome Diagnostic Labs from Nijmegen and Maastricht, Radboudumc and MUMC+
Classification: Pathogenic. Review status: no assertion criteria provided. Collection method: clinical testing. Allele origin: germline. Affected: yes. Study: VKGL Data-share Consensus. Not counted in ClinVar's aggregate classification.

Laboratory of Diagnostic Genome Analysis, Leiden University Medical Center (LUMC)
Classification: Likely pathogenic. Review status: no assertion criteria provided. Collection method: clinical testing. Allele origin: germline. Affected: yes. Study: VKGL Data-share Consensus. Not counted in ClinVar's aggregate classification.

Literature cited by the submitters: PubMed 11968093 (cited by 5 submitters); PubMed 17100995 (cited by 3 submitters); PubMed 17582161 (cited by 4 submitters); PubMed 20177400 (cited by Mayo Clinic Laboratories, Mayo Clinic); PubMed 23300259 (cited by 4 submitters); PubMed 25574838 (cited by 3 submitters); PubMed 26692149 (cited by Mayo Clinic Laboratories, Mayo Clinic and Athena Diagnostics); PubMed 27991905 (cited by Mayo Clinic Laboratories, Mayo Clinic); PubMed 28356211 (cited by Mayo Clinic Laboratories, Mayo Clinic and Ambry Genetics); PubMed 32332171 (cited by 3 submitters); PubMed 32816041 (cited by 3 submitters); PubMed 33437033 (cited by 3 submitters); PubMed 33454723 (cited by 3 submitters); PubMed 34101167 (cited by Mayo Clinic Laboratories, Mayo Clinic and Athena Diagnostics); PubMed 34716216 (cited by Mayo Clinic Laboratories, Mayo Clinic); PubMed 35778421 (cited by 3 submitters); PubMed 15775720 (cited by Athena Diagnostics and Ambry Genetics); PubMed 15192819 (cited by Athena Diagnostics and Labcorp Genetics (formerly Invitae), Labcorp); PubMed 15772804 (cited by Labcorp Genetics (formerly Invitae), Labcorp); PubMed 16540757 (cited by Labcorp Genetics (formerly Invitae), Labcorp).